The following is an entry in ClinVar:

NM_002230.4(JUP):c.1870G>T (p.Glu624Ter)

Gene: JUP (junction plakoglobin; minus strand). Cytogenetic location: 17q21.2.
Variant type: single nucleotide variant.
Coding change: c.1870G>T on transcript NM_002230.4 (MANE Select); coding-DNA position 1870, G replaced by T.
Protein change: p.Glu624Ter; replaces glutamic acid 624 with a stop codon.
Molecular consequence: nonsense.
Genome position (GRCh38, 1-based): chr17:41,757,688, C>A on the plus strand (G>T on the coding strand, the complement: JUP is on the minus strand). VCF-style: chr17-41757688-C-A. GRCh37 (hg19) VCF-style: chr17-39913940-C-A.
Other names: c.1870G>T, p.Glu624Ter (NM_001352773.2, NM_001352774.2, NM_001352775.2 and 3 more transcripts); short protein forms E624*.
Identifiers: ClinVar variation 1398158 (VCV001398158.6), dbSNP rs2143426682, ClinGen allele CA399492293.

ClinVar aggregate classification (germline): Pathogenic (1 of 4 stars; one submission).

Conditions:
Naxos disease (NXD). Also called: CARDIOMYOPATHY, ARRHYTHMOGENIC RIGHT VENTRICULAR, WITH SKIN, HAIR, AND NAIL ABNORMALITIES; KERATOSIS PALMOPLANTARIS WITH ARRHYTHMOGENIC CARDIOMYOPATHY; MAL DE NAXOS; PALMOPLANTAR KERATODERMA WITH ARRHYTHMOGENIC RIGHT VENTRICULAR CARDIOMYOPATHY AND WOOLLY HAIR; WOOLLY HAIR, PALMOPLANTAR KERATODERMA, AND CARDIAC ABNORMALITIES. Identifiers: Orphanet 34217, MedGen C1832600, MONDO:0011017, OMIM 601214.
Arrhythmogenic right ventricular dysplasia 12. Also called: ARRHYTHMOGENIC RIGHT VENTRICULAR DYSPLASIA, FAMILIAL, 12. Identifiers: MedGen C1969081, MONDO:0012684, OMIM 611528.

Submission:

Labcorp Genetics (formerly Invitae), Labcorp
Classification: Pathogenic for Arrhythmogenic right ventricular dysplasia 12; Naxos disease. Last evaluated: 2021-05-30. Review status: criteria provided, single submitter. Criteria: Invitae Variant Classification Sherloc (09022015). Collection method: clinical testing. Allele origin: germline.
Comment: For these reasons, this variant has been classified as Pathogenic. This sequence change creates a premature translational stop signal (p.Glu624*) in the JUP gene. It is expected to result in an absent or disrupted protein product. Loss-of-function variants in JUP are known to be pathogenic (PMID: 10902626). This variant is not present in population databases (ExAC no frequency). This variant has not been reported in the literature in individuals with JUP-related conditions.

Literature cited by the submitters: PubMed 10902626.